The following is an entry in ClinVar:

NM_006012.4(CLPP):c.218A>G (p.Tyr73Cys)

Genes: CLPP (caseinolytic mitochondrial matrix peptidase proteolytic subunit; plus strand), LOC130063288 (ATAC-STARR-seq lymphoblastoid silent region 9948; plus strand). Cytogenetic location: 19p13.3.
Variant type: single nucleotide variant.
Coding change: c.218A>G on transcript NM_006012.4 (MANE Select); coding-DNA position 218, A replaced by G.
Protein change: p.Tyr73Cys; replaces tyrosine 73 with cysteine.
Molecular consequence: missense variant.
Genome position (GRCh38, 1-based): chr19:6,361,888, A>G. VCF-style: chr19-6361888-A-G. GRCh37 (hg19) VCF-style: chr19-6361899-A-G.
Other names: short protein forms Y73C.
Identifiers: ClinVar variation 1470208 (VCV001470208.6), dbSNP rs768638677, ClinGen allele CA9122823.
Genomic context (GRCh38, chr19:6,361,888, plus strand): 5'-CTGGCTGCCCCGGCCCCTCACCTCCATCTTTCTACCCCCAGGGTCGCGGCGAGCGCGCCT[A>G]TGACATCTACTCGCGGCTGCTGCGGGAGCGCATCGTGTGCGTCATGGGCCCGGTGAGCGC-3'
Protein context (NP_006003.1, residues 63-83): VEQTGRGERA[Tyr73Cys]DIYSRLLRER

ClinVar aggregate classification (germline): Uncertain significance. Review status: criteria provided, multiple submitters, no conflicts (2 of 4 stars). 2 submissions from 2 submitters: Uncertain significance (2). Last evaluated 2025-10-22.

Allele frequency attached by ClinVar (database versions not stated): ExAC 0.00002; gnomAD exomes 0.00002 and 0.00006; gnomAD 0.00002.

Submissions (2):

GeneDx
Classification: Uncertain significance. Last evaluated: 2025-10-22. Review status: criteria provided, single submitter. Criteria: GeneDx Variant Classification Process June 2021. Collection method: clinical testing. Allele origin: germline. Affected: yes.
Comment: In silico analysis supports that this missense variant has a deleterious effect on protein structure/function; Has not been previously published as pathogenic or benign to our knowledge

Labcorp Genetics (formerly Invitae), Labcorp
Classification: Uncertain significance. Last evaluated: 2021-12-02. Review status: criteria provided, single submitter. Criteria: Invitae Variant Classification Sherloc (09022015). Collection method: clinical testing. Allele origin: germline.
Comment: In summary, the available evidence is currently insufficient to determine the role of this variant in disease. Therefore, it has been classified as a Variant of Uncertain Significance. Algorithms developed to predict the effect of missense changes on protein structure and function (SIFT, PolyPhen-2, Align-GVGD) all suggest that this variant is likely to be disruptive. This variant has not been reported in the literature in individuals affected with CLPP-related conditions. This variant is present in population databases (rs768638677, gnomAD 0.009%). This sequence change replaces tyrosine, which is neutral and polar, with cysteine, which is neutral and slightly polar, at codon 73 of the CLPP protein (p.Tyr73Cys).